The following is an entry in ClinVar:

ClinVar aggregate classification (germline): Uncertain significance (1 of 4 stars; one submission).

Submission:

Ambry Genetics
Classification: Uncertain significance. Last evaluated: 2023-03-11. Review status: criteria provided, single submitter. Criteria: Ambry Variant Classification Scheme 2023. Collection method: clinical testing. Allele origin: germline.
Comment: The p.T236M variant (also known as c.707C>T), located in coding exon 1 of the EGLN1 gene, results from a C to T substitution at nucleotide position 707. The threonine at codon 236 is replaced by methionine, an amino acid with similar properties. This amino acid position is conserved. In addition, this alteration is predicted to be tolerated by in silico analysis. Since supporting evidence is limited at this time, the clinical significance of this alteration remains unclear.

NM_022051.3(EGLN1):c.707C>T (p.Thr236Met)

Gene: EGLN1 (egl-9 family hypoxia inducible factor 1; minus strand). Cytogenetic location: 1q42.2.
Variant type: single nucleotide variant.
Coding change: c.707C>T on transcript NM_022051.3 (MANE Select); coding-DNA position 707, C replaced by T.
Protein change: p.Thr236Met; replaces threonine 236 with methionine.
Molecular consequence: missense variant.
Genome position (GRCh38, 1-based): chr1:231,421,182, G>A on the plus strand (C>T on the coding strand, the complement: EGLN1 is on the minus strand). VCF-style: chr1-231421182-G-A. GRCh37 (hg19) VCF-style: chr1-231556928-G-A.
Other names: c.707C>T, p.Thr236Met (NM_001377260.1, NM_001377261.1); short protein forms T236M.
Identifiers: ClinVar variation 2450392 (VCV002450392.2), dbSNP rs2527358853, ClinGen allele CA345235740.